The following is an entry in ClinVar:

ClinVar aggregate classification (germline): Uncertain significance (1 of 4 stars; one submission).

Submission:

CeGaT Center for Human Genetics Tuebingen
Classification: Uncertain significance. Last evaluated: 2026-08-01. Review status: criteria provided, single submitter. Criteria: CeGaT Center For Human Genetics Tuebingen Variant Classification Criteria Version 2. Collection method: clinical testing. Allele origin: germline. Affected: yes. Observed: 1 variant allele.
Comment: CIC: PM2

NM_001386298.1(CIC):c.3002C>G (p.Ala1001Gly)

Gene: CIC (capicua transcriptional repressor; plus strand). Cytogenetic location: 19q13.2.
Variant type: single nucleotide variant.
Coding change: c.3002C>G on transcript NM_001386298.1 (MANE Select); coding-DNA position 3002, C replaced by G.
Protein change: p.Ala1001Gly; replaces alanine 1001 with glycine.
Molecular consequence: missense variant.
Genome position (GRCh38, 1-based): chr19:42,287,063, C>G. VCF-style: chr19-42287063-C-G. GRCh37 (hg19) VCF-style: chr19-42791215-C-G.
Other names: c.3002C>G, p.Ala1001Gly (NM_001304815.2, NM_001379480.1, NM_001379482.1 and 6 more transcripts); c.275C>G, p.Ala92Gly (NM_001379484.1, NM_001379485.1, NM_001439189.1 and 3 more transcripts); short protein forms A1001G, A92G.
Identifiers: ClinVar variation 5040605 (VCV005040605.1).